The following is an entry in ClinVar:

ClinVar aggregate classification (germline): Conflicting classifications of pathogenicity. Review status: criteria provided, conflicting classifications (1 of 4 stars). 4 submissions from 4 submitters: Uncertain significance (3); Likely benign (1). Last evaluated 2025-06-12.

Conditions:
Hereditary spastic paraplegia 30. Identifiers: Orphanet 101010, MedGen C5235139, MONDO:0012476.
Neuropathy, hereditary sensory, type 2C. Also called: Hereditary sensory and autonomic neuropathy type IIC; KIF1A-Related HSAN2 (HSAN2C). Identifiers: Orphanet 970, MedGen C3280168, MONDO:0013634, OMIM 614213.
Intellectual disability, autosomal dominant 9 (NESCAVS). Also called: NESCAV SYNDROME; KIF1A-Related Neurodevelopmental Disorder. Identifiers: Orphanet 662367, MedGen C5393830, MONDO:0013656, OMIM 614255.
Neuropathy, hereditary sensory and autonomic, type 2A (HSAN2A). Also called: MORVAN DISEASE; NEUROPATHY, CONGENITAL SENSORY; NEUROPATHY, HEREDITARY SENSORY RADICULAR, AUTOSOMAL RECESSIVE; NEUROPATHY, HEREDITARY SENSORY, TYPE IIA; NEUROPATHY, PROGRESSIVE SENSORY, OF CHILDREN; WNK1-Related HSAN2 (HSAN2A). Identifiers: Orphanet 970, MedGen C2752089, MONDO:0024309, OMIM 201300.
Inborn genetic diseases. Identifiers: MedGen C0950123, MeSH D030342.

Allele frequency attached by ClinVar (database versions not stated): ExAC 0.00001; gnomAD exomes 0.00003; gnomAD 0.00005; TOPMed 0.00005.

Submissions (4):

Labcorp Genetics (formerly Invitae), Labcorp
Classification: Likely benign for Hereditary spastic paraplegia 30; Neuropathy, hereditary sensory, type 2C; Intellectual disability, autosomal dominant 9. Last evaluated: 2025-06-12. Review status: criteria provided, single submitter. Criteria: Invitae Variant Classification Sherloc (09022015). Collection method: clinical testing. Allele origin: germline.

Department of Pathology and Laboratory Medicine, Sinai Health System
Classification: Uncertain significance for Neuropathy, hereditary sensory and autonomic, type 2A; Spastic paraplegia 30A, autosomal dominant; Neuropathy, hereditary sensory, type 2C; Intellectual disability, autosomal dominant 9. Last evaluated: 2022-04-13. Review status: criteria provided, single submitter. Criteria: ACMG Guidelines, 2015. Collection method: research. Allele origin: germline.

Ambry Genetics
Classification: Uncertain significance for Inborn genetic diseases. Last evaluated: 2022-03-01. Review status: criteria provided, single submitter. Criteria: Ambry Variant Classification Scheme 2023. Collection method: clinical testing. Allele origin: germline.
Comment: The p.P832S variant (also known as c.2494C>T), located in coding exon 25 of the KIF1A gene, results from a C to T substitution at nucleotide position 2494. The proline at codon 832 is replaced by serine, an amino acid with similar properties. This amino acid position is well conserved in available vertebrate species. In addition, this alteration is predicted to be tolerated by in silico analysis. Since supporting evidence is limited at this time, the clinical significance of this alteration remains unclear.

CeGaT Center for Human Genetics Tuebingen
Classification: Uncertain significance. Last evaluated: 2018-01-01. Review status: criteria provided, single submitter. Criteria: CeGaT Center For Human Genetics Tuebingen Variant Classification Criteria Version 2. Collection method: clinical testing. Allele origin: germline. Affected: yes. Observed: 1 variant allele.

NM_001244008.2(KIF1A):c.2494C>T (p.Pro832Ser)

Gene: KIF1A (kinesin family member 1A; minus strand). Cytogenetic location: 2q37.3.
Variant type: single nucleotide variant.
Coding change: c.2494C>T on transcript NM_001244008.2 (MANE Select); coding-DNA position 2494, C replaced by T.
Protein change: p.Pro832Ser; replaces proline 832 with serine.
Molecular consequence: missense variant.
Genome position (GRCh38, 1-based): chr2:240,758,448, G>A on the plus strand (C>T on the coding strand, the complement: KIF1A is on the minus strand). VCF-style: chr2-240758448-G-A. GRCh37 (hg19) VCF-style: chr2-241697865-G-A.
Other names: c.2494C>T, p.Pro832Ser (NM_001320705.2, NM_001330289.2, NM_001379638.1); c.2569C>T, p.Pro857Ser (NM_001330290.2, NM_001379631.1, NM_001379634.1 and 2 more transcripts); c.2467C>T, p.Pro823Ser (NM_001379632.1, NM_001379633.1, NM_001379636.1 and 10 more transcripts); c.2542C>T, p.Pro848Ser (NM_001379637.1, NM_001379648.1); short protein forms P823S, P832S, P857S, P848S.
Identifiers: ClinVar variation 546891 (VCV000546891.51), dbSNP rs757726053, ClinGen allele CA2208082.